The following is an entry in ClinVar:

NM_000808.4(GABRA3):c.956C>A (p.Thr319Asn)

Gene: GABRA3 (gamma-aminobutyric acid type A receptor subunit alpha3; minus strand). Cytogenetic location: Xq28.
Variant type: single nucleotide variant.
Coding change: c.956C>A on transcript NM_000808.4 (MANE Select); coding-DNA position 956, C replaced by A.
Protein change: p.Thr319Asn; replaces threonine 319 with asparagine.
Molecular consequence: missense variant.
Genome position (GRCh38, 1-based): chrX:152,189,917, G>T on the plus strand (C>A on the coding strand, the complement: GABRA3 is on the minus strand). VCF-style: chrX-152189917-G-T. GRCh37 (hg19) VCF-style: chrX-151358389-G-T.
Other names: short protein forms T319N.
Identifiers: ClinVar variation 3344694 (VCV003344694.1).

ClinVar aggregate classification (germline): Uncertain significance (0 of 4 stars; one submission).

Conditions:
GABRA3-related disorder. Also called: GABRA3-related condition.

Submission:

PreventionGenetics, part of Exact Sciences
Classification: Uncertain significance for GABRA3-related condition. Last evaluated: 2024-05-03. Review status: no assertion criteria provided. Collection method: clinical testing. Allele origin: germline.
Comment: The GABRA3 c.956C>A variant is predicted to result in the amino acid substitution p.Thr319Asn. To our knowledge, this variant has not been reported in the literature or in a large population database, indicating this variant is rare. Although we suspect that this variant may be pathogenic, at this time, the clinical significance of this variant is uncertain due to the absence of conclusive functional and genetic evidence.